The following is an entry in ClinVar:

ClinVar aggregate classification (germline): Uncertain significance (1 of 4 stars; one submission).

Submission:

GeneDx
Classification: Uncertain significance. Last evaluated: 2024-11-18. Review status: criteria provided, single submitter. Criteria: GeneDx Variant Classification Process June 2021. Collection method: clinical testing. Allele origin: germline. Affected: yes.
Comment: Not observed at significant frequency in large population cohorts (gnomAD); In silico analysis indicates that this missense variant does not alter protein structure/function; Has not been previously published as pathogenic or benign to our knowledge

NM_005402.4(RALA):c.431A>G (p.Asn144Ser)

Gene: RALA (RAS like proto-oncogene A; plus strand). Cytogenetic location: 7p14.1.
Variant type: single nucleotide variant.
Coding change: c.431A>G on transcript NM_005402.4 (MANE Select); coding-DNA position 431, A replaced by G.
Protein change: p.Asn144Ser; replaces asparagine 144 with serine.
Molecular consequence: missense variant.
Genome position (GRCh38, 1-based): chr7:39,696,792, A>G. VCF-style: chr7-39696792-A-G. GRCh37 (hg19) VCF-style: chr7-39736391-A-G.
Other names: short protein forms N144S.
Identifiers: ClinVar variation 3899428 (VCV003899428.1).